The following is an entry in ClinVar:

ClinVar aggregate classification (germline): Uncertain significance (1 of 4 stars; one submission).

Submission:

Dasa
Classification: Uncertain significance. Last evaluated: 2026-07-11. Review status: criteria provided, single submitter. Criteria: DASA Assertion Criteria. Collection method: clinical testing. Allele origin: germline.
Comment: NM_182961.4(SYNE1):c.22951C>A (p.Gln7651Lys) is a missense variant that results in the substitution of glutamine with lysine. This variant is absent from population databases. The currently available literature and clinical evidence are not sufficient to establish a definitive association between this variant and the reported condition. Therefore, this variant is classified as a variant of uncertain significance.

NM_182961.4(SYNE1):c.22951C>A (p.Gln7651Lys)

Gene: SYNE1 (spectrin repeat containing nuclear envelope protein 1; minus strand). Cytogenetic location: 6q25.2.
Variant type: single nucleotide variant.
Coding change: c.22951C>A on transcript NM_182961.4 (MANE Select); coding-DNA position 22951, C replaced by A.
Protein change: p.Gln7651Lys; replaces glutamine 7651 with lysine.
Molecular consequence: missense variant.
Genome position (GRCh38, 1-based): chr6:152,206,236, G>T on the plus strand (C>A on the coding strand, the complement: SYNE1 is on the minus strand). VCF-style: chr6-152206236-G-T. GRCh37 (hg19) VCF-style: chr6-152527371-G-T.
Other names: c.22738C>A, p.Gln7580Lys (NM_033071.5); short protein forms Q7580K, Q7651K.
Identifiers: ClinVar variation 5020207 (VCV005020207.1).
Genomic context (GRCh38, chr6:152,206,236, plus strand): 5'-AGAAGGCTAGTTTTTTCTTCTGTTCTTCCAGCCGCATGCTGGCTGATTTCCATTTCTCTT[G>T]GATTTCAGCGAGTTCGGCCTGCAAGGCGGCCTCAGCGCCACTGTCCGCCGAGAGAAGGAG-3'
Protein context (NP_892006.3, residues 7641-7661): AALQAELAEI[Gln7651Lys]EKWKSASMRL